The following is an entry in ClinVar:

NM_000426.4(LAMA2):c.5820del (p.Val1941fs)

Gene: LAMA2 (laminin subunit alpha 2; plus strand). Cytogenetic location: 6q22.33.
Variant type: Deletion.
Coding change: c.5820del on transcript NM_000426.4 (MANE Select); coding-DNA position 5820, one base deleted (A; older notation c.5820delA).
Protein change: p.Val1941fs; shifts the reading frame from valine 1941.
Molecular consequence: frameshift variant.
Genome position (GRCh38, 1-based): chr6:129,403,914, A deleted; the last of 3 consecutive A bases (chr6:129,403,912-129,403,914); deleting any one gives the same sequence. VCF-style (leftmost placement, unchanged base first): chr6-129403911-GA-G. GRCh37 (hg19) VCF-style: chr6-129725056-GA-G.
Other names: c.5820del, p.Val1941fs (NM_001079823.2); c.5818delA (NM_000426.4); short protein forms V1941fs.
Identifiers: ClinVar variation 1690519 (VCV001690519.3), dbSNP rs2114697790, ClinGen allele CA2573140483.

ClinVar aggregate classification (germline): Likely pathogenic. Review status: criteria provided, multiple submitters, no conflicts (2 of 4 stars). 2 submissions from 2 submitters: Likely pathogenic (2). Last evaluated 2024-02-19.

Conditions:
Muscular dystrophy, limb-girdle, autosomal recessive 23. Identifiers: Orphanet 565837, MedGen C4748327, MONDO:0029136, OMIM 618138.
Merosin deficient congenital muscular dystrophy (MDC1A). Also called: Congenital merosin-deficient muscular dystrophy 1A; Congenital Muscular Dystrophy Type 1A (MDC1A). Identifiers: Orphanet 258, MedGen C1263858, MONDO:0011925, OMIM 607855.

Submissions (2):

Fulgent Genetics
Classification: Likely pathogenic for Merosin deficient congenital muscular dystrophy; Muscular dystrophy, limb-girdle, autosomal recessive 23. Last evaluated: 2024-02-19. Review status: criteria provided, single submitter. Criteria: ACMG Guidelines, 2015. Collection method: clinical testing. Allele origin: germline.

Laboratorio de Genetica e Diagnostico Molecular, Hospital Israelita Albert Einstein
Classification: Likely pathogenic. Last evaluated: 2021-01-07. Review status: criteria provided, single submitter. Criteria: ACMG Guidelines, 2015. Collection method: clinical testing. Allele origin: germline. Affected: yes.
Comment: ACMG classification criteria: PVS1, PM2